The following is an entry in ClinVar:

NM_000338.3(SLC12A1):c.1917C>G (p.Tyr639Ter)

Genes: SLC12A1 (solute carrier family 12 member 1; plus strand), LOC126862123 (CDK7 strongly-dependent group 2 enhancer GRCh37_chr15:48543423-48544622; plus strand). Cytogenetic location: 15q21.1.
Variant type: single nucleotide variant.
Coding change: c.1917C>G on transcript NM_000338.3 (MANE Select); coding-DNA position 1917, C replaced by G.
Protein change: p.Tyr639Ter; replaces tyrosine 639 with a stop codon.
Molecular consequence: nonsense.
Genome position (GRCh38, 1-based): chr15:48,251,745, C>G. VCF-style: chr15-48251745-C-G. GRCh37 (hg19) VCF-style: chr15-48543942-C-G.
Other names: c.1917C>G, p.Tyr639Ter (NM_001184832.2); short protein forms Y639*.
Identifiers: ClinVar variation 523909 (VCV000523909.5), dbSNP rs375445813, ClinGen allele CA392313677.

ClinVar aggregate classification (germline): Pathogenic. Review status: criteria provided, multiple submitters, no conflicts (2 of 4 stars). 2 submissions from 2 submitters: Pathogenic (2). Last evaluated 2023-04-11.

Submissions (2):

Labcorp Genetics (formerly Invitae), Labcorp
Classification: Pathogenic. Last evaluated: 2023-04-11. Review status: criteria provided, single submitter. Criteria: Invitae Variant Classification Sherloc (09022015). Collection method: clinical testing. Allele origin: germline.
Comment: This variant is not present in population databases (gnomAD no frequency). For these reasons, this variant has been classified as Pathogenic. Algorithms developed to predict the effect of sequence changes on RNA splicing suggest that this variant may disrupt the consensus splice site. ClinVar contains an entry for this variant (Variation ID: 523909). This variant has not been reported in the literature in individuals affected with SLC12A1-related conditions. This sequence change creates a premature translational stop signal (p.Tyr639*) in the SLC12A1 gene. It is expected to result in an absent or disrupted protein product. Loss-of-function variants in SLC12A1 are known to be pathogenic (PMID: 8640224, 9585600, 19096086).

GeneDx
Classification: Pathogenic. Last evaluated: 2018-05-01. Review status: criteria provided, single submitter. Criteria: GeneDx Variant Classification (06012015). Collection method: clinical testing. Allele origin: germline. Affected: yes.
Comment: The Y639X pathogenic variant in the SLC12A1 gene has not been reported previously as a pathogenic variant, nor as a benign variant, to our knowledge. This variant is predicted to cause loss of normal protein function either through protein truncation or nonsense-mediated mRNA decay. The Y639X variant is not observed in large population cohorts (Lek et al., 2016). We interpret Y639X as a pathogenic variant.

Literature cited by the submitters: PubMed 8640224 (cited by Labcorp Genetics (formerly Invitae), Labcorp); PubMed 9585600 (cited by Labcorp Genetics (formerly Invitae), Labcorp); PubMed 19096086 (cited by Labcorp Genetics (formerly Invitae), Labcorp).